The following is an entry in ClinVar:

NM_001079802.2(FKTN):c.989A>G (p.Asp330Gly)

Gene: FKTN (fukutin; plus strand). Cytogenetic location: 9q31.2.
Variant type: single nucleotide variant.
Coding change: c.989A>G on transcript NM_001079802.2 (MANE Select); coding-DNA position 989, A replaced by G.
Protein change: p.Asp330Gly; replaces aspartic acid 330 with glycine.
Molecular consequence: missense variant. On other transcripts: non-coding transcript variant (1).
Genome position (GRCh38, 1-based): chr9:105,618,037, A>G. VCF-style: chr9-105618037-A-G. GRCh37 (hg19) VCF-style: chr9-108380318-A-G.
Other names: c.989A>G, p.Asp330Gly (NM_001198963.2, NM_001351496.2, NM_001351498.2 and 1 more transcripts); c.920A>G, p.Asp307Gly (NM_001351497.2); c.593A>G, p.Asp198Gly (NM_001351499.2, NM_001351500.2, NM_001351501.2 and 1 more transcripts); short protein forms D307G, D330G, D198G.
Identifiers: ClinVar variation 1480985 (VCV001480985.5), dbSNP rs1414568181, ClinGen allele CA374377555.
Genomic context (GRCh38, chr9:105,618,037, plus strand): 5'-ACATTATTCCTTATAGCAAAGATGTTGACCTAGGAATTTTTATACAAGATTACAAATCTG[A>G]TATTATTTTAGCATTTCAGGATGCAGGACTTCCGCTCAAACACAAATTTGGGAAGGTCAG-3'
Protein context (NP_001073270.1, residues 320-340): LGIFIQDYKS[Asp330Gly]IILAFQDAGL

ClinVar aggregate classification (germline): Uncertain significance (1 of 4 stars; one submission).

Conditions:
Walker-Warburg congenital muscular dystrophy. Also called: Muscular dystrophy-dystroglycanopathy, type A; Walker-Warburg syndrome. Identifiers: Orphanet 899, MedGen C0265221, MONDO:0000171.

Allele frequency attached by ClinVar (database versions not stated): gnomAD exomes below 0.00001; gnomAD 0.00001.
gnomAD v4.1: 5 of 1,607,238 alleles (0.00031%); highest among the groups gnomAD compares: Admixed American, 0.0017%; no homozygotes.

Submission:

Labcorp Genetics (formerly Invitae), Labcorp
Classification: Uncertain significance for Walker-Warburg congenital muscular dystrophy. Last evaluated: 2021-09-17. Review status: criteria provided, single submitter. Criteria: Invitae Variant Classification Sherloc (09022015). Collection method: clinical testing. Allele origin: germline.
Comment: This sequence change replaces aspartic acid with glycine at codon 330 of the FKTN protein (p.Asp330Gly). The aspartic acid residue is highly conserved and there is a moderate physicochemical difference between aspartic acid and glycine. This variant is not present in population databases (ExAC no frequency). This variant has not been reported in the literature in individuals with FKTN-related conditions. Algorithms developed to predict the effect of missense changes on protein structure and function are either unavailable or do not agree on the potential impact of this missense change (SIFT: "Deleterious"; PolyPhen-2: "Benign"; Align-GVGD: "Class C15"). Algorithms developed to predict the effect of sequence changes on RNA splicing suggest that this variant may create or strengthen a splice site, but this prediction has not been confirmed by published transcriptional studies. In summary, the available evidence is currently insufficient to determine the role of this variant in disease. Therefore, it has been classified as a Variant of Uncertain Significance.